The following is an entry in ClinVar:

ClinVar aggregate classification (germline): Uncertain significance (1 of 4 stars; one submission).

Conditions:
Focal segmental glomerulosclerosis 5 (FSGS5). Identifiers: Orphanet 656, MedGen C2750475, MONDO:0013191, OMIM 613237.
Charcot-Marie-Tooth disease dominant intermediate E. Also called: CHARCOT-MARIE-TOOTH NEUROPATHY WITH FOCAL SEGMENTAL GLOMERULONEPHRITIS. Identifiers: Orphanet 93114, MedGen C4302667, MONDO:0013758, OMIM 614455.

Submission:

Labcorp Genetics (formerly Invitae), Labcorp
Classification: Uncertain significance for Charcot-Marie-Tooth disease dominant intermediate E; Focal segmental glomerulosclerosis 5. Last evaluated: 2024-07-03. Review status: criteria provided, single submitter. Criteria: Invitae Variant Classification Sherloc (09022015). Collection method: clinical testing. Allele origin: germline.
Comment: This sequence change replaces leucine, which is neutral and non-polar, with phenylalanine, which is neutral and non-polar, at codon 198 of the INF2 protein (p.Leu198Phe). This variant is not present in population databases (gnomAD no frequency). This variant has not been reported in the literature in individuals affected with INF2-related conditions. Advanced modeling of protein sequence and biophysical properties (such as structural, functional, and spatial information, amino acid conservation, physicochemical variation, residue mobility, and thermodynamic stability) has been performed at Invitae for this missense variant, however the output from this modeling did not meet the statistical confidence thresholds required to predict the impact of this variant on INF2 protein function. In summary, the available evidence is currently insufficient to determine the role of this variant in disease. Therefore, it has been classified as a Variant of Uncertain Significance.

NM_022489.4(INF2):c.592C>T (p.Leu198Phe)

Gene: INF2 (inverted formin 2; plus strand). Cytogenetic location: 14q32.33.
Variant type: single nucleotide variant.
Coding change: c.592C>T on transcript NM_022489.4 (MANE Select); coding-DNA position 592, C replaced by T.
Protein change: p.Leu198Phe; replaces leucine 198 with phenylalanine.
Molecular consequence: missense variant. On other transcripts: non-coding transcript variant (1).
Genome position (GRCh38, 1-based): chr14:104,703,379, C>T. VCF-style: chr14-104703379-C-T. GRCh37 (hg19) VCF-style: chr14-105169716-C-T.
Other names: c.592C>T, p.Leu198Phe (NM_001031714.4, NM_001426862.1, NM_001426863.1 and 6 more transcripts); short protein forms L198F.
Identifiers: ClinVar variation 3753947 (VCV003753947.2).